The following is an entry in ClinVar:

ClinVar aggregate classification (germline): Uncertain significance (1 of 4 stars; one submission).

Conditions:
RYR1-related disorder. Also called: RYR1-related condition; RYR1-related disorders. Identifiers: MedGen CN239331.

Allele frequency attached by ClinVar (database versions not stated): gnomAD exomes below 0.00001.
gnomAD v4.1: 3 of 1,614,038 alleles (0.00019%); highest among the groups gnomAD compares: Non-Finnish European, 0.00025%; no homozygotes.

Submission:

Labcorp Genetics (formerly Invitae), Labcorp
Classification: Uncertain significance for RYR1-related disorder. Last evaluated: 2021-11-07. Review status: criteria provided, single submitter. Criteria: Invitae Variant Classification Sherloc (09022015). Collection method: clinical testing. Allele origin: germline.
Comment: This sequence change replaces histidine, which is basic and polar, with tyrosine, which is neutral and polar, at codon 1253 of the RYR1 protein (p.His1253Tyr). This variant is not present in population databases (gnomAD no frequency). This variant has not been reported in the literature in individuals affected with RYR1-related conditions. Algorithms developed to predict the effect of missense changes on protein structure and function are either unavailable or do not agree on the potential impact of this missense change (SIFT: "Deleterious"; PolyPhen-2: "Probably Damaging"; Align-GVGD: "Class C0"). In summary, the available evidence is currently insufficient to determine the role of this variant in disease. Therefore, it has been classified as a Variant of Uncertain Significance.

NM_000540.3(RYR1):c.3757C>T (p.His1253Tyr)

Gene: RYR1 (ryanodine receptor 1; plus strand). Cytogenetic location: 19q13.2.
Variant type: single nucleotide variant.
Coding change: c.3757C>T on transcript NM_000540.3 (MANE Select); coding-DNA position 3757, C replaced by T.
Protein change: p.His1253Tyr; replaces histidine 1253 with tyrosine.
Molecular consequence: missense variant.
Genome position (GRCh38, 1-based): chr19:38,469,505, C>T. VCF-style: chr19-38469505-C-T. GRCh37 (hg19) VCF-style: chr19-38960145-C-T.
Other names: c.3757C>T, p.His1253Tyr (NM_001042723.2); short protein forms H1253Y.
Identifiers: ClinVar variation 1426173 (VCV001426173.3), dbSNP rs2145464364, ClinGen allele CA405639906.